The following is an entry in ClinVar:

NM_014845.6(FIG4):c.1999T>C (p.Tyr667His)

Gene: FIG4 (FIG4 phosphoinositide 5-phosphatase; plus strand). Cytogenetic location: 6q21.
Variant type: single nucleotide variant.
Coding change: c.1999T>C on transcript NM_014845.6 (MANE Select); coding-DNA position 1999, T replaced by C.
Protein change: p.Tyr667His; replaces tyrosine 667 with histidine.
Molecular consequence: missense variant.
Genome position (GRCh38, 1-based): chr6:109,786,352, T>C. VCF-style: chr6-109786352-T-C. GRCh37 (hg19) VCF-style: chr6-110107555-T-C.
Other names: short protein forms Y667H.
Identifiers: ClinVar variation 844799 (VCV000844799.9), dbSNP rs1777955968, ClinGen allele CA365231802.

ClinVar aggregate classification (germline): Uncertain significance. Review status: criteria provided, single submitter (1 of 4 stars). 2 submissions from 2 submitters: Uncertain significance (1). 1 of the submissions does not count toward it. Last evaluated 2019-01-25.

Conditions:
Charcot-Marie-Tooth disease type 4. Also called: Charcot-Marie-Tooth disease, type IV; Charcot-Marie-Tooth, Type 4. Identifiers: Orphanet 64749, MedGen C4082197, MONDO:0018995.
FIG4-related disorder. Also called: FIG4-related condition; FIG4-related disorders.

Submissions (2):

Labcorp Genetics (formerly Invitae), Labcorp
Classification: Uncertain significance for Charcot-Marie-Tooth disease type 4. Last evaluated: 2019-01-25. Review status: criteria provided, single submitter. Criteria: Invitae Variant Classification Sherloc (09022015). Collection method: clinical testing. Allele origin: germline.
Comment: Algorithms developed to predict the effect of missense changes on protein structure and function output the following: SIFT: "Tolerated"; PolyPhen-2: "Benign"; Align-GVGD: "Class C0". The histidine amino acid residue is found in multiple mammalian species, suggesting that this missense change does not adversely affect protein function. These predictions have not been confirmed by published functional studies and their clinical significance is uncertain. In summary, the available evidence is currently insufficient to determine the role of this variant in disease. Therefore, it has been classified as a Variant of Uncertain Significance. This variant has not been reported in the literature in individuals with FIG4-related conditions. This variant is not present in population databases (ExAC no frequency). This sequence change replaces tyrosine with histidine at codon 667 of the FIG4 protein (p.Tyr667His). The tyrosine residue is weakly conserved and there is a moderate physicochemical difference between tyrosine and histidine.

PreventionGenetics, part of Exact Sciences
Classification: Uncertain significance for FIG4-related condition. Last evaluated: 2023-12-12. Review status: no assertion criteria provided. Collection method: clinical testing. Allele origin: germline. Not counted in ClinVar's aggregate classification.
Comment: The FIG4 c.1999T>C variant is predicted to result in the amino acid substitution p.Tyr667His. To our knowledge, this variant has not been reported in the literature or in a large population database, indicating this variant is rare. At this time, the clinical significance of this variant is uncertain due to the absence of conclusive functional and genetic evidence.